The following is an entry in ClinVar:

ClinVar aggregate classification (germline): Uncertain significance. Review status: criteria provided, multiple submitters, no conflicts (2 of 4 stars). 2 submissions from 2 submitters: Uncertain significance (2). Last evaluated 2025-09-30.

Conditions:
Hereditary cancer-predisposing syndrome. Also called: Tumor predisposition; Hereditary Cancer Syndrome; Hereditary neoplastic syndrome; Neoplastic Syndromes, Hereditary. Identifiers: Orphanet 140162, MedGen C0027672, MeSH D009386, MONDO:0015356.

Submissions (2):

Labcorp Genetics (formerly Invitae), Labcorp
Classification: Uncertain significance. Last evaluated: 2025-09-30. Review status: criteria provided, single submitter. Criteria: Invitae Variant Classification Sherloc (09022015). Collection method: clinical testing. Allele origin: germline.
Comment: This sequence change replaces glutamic acid, which is acidic and polar, with glycine, which is neutral and non-polar, at codon 532 of the CTNNA1 protein (p.Glu532Gly). This variant is not present in population databases (gnomAD no frequency). This variant has not been reported in the literature in individuals affected with CTNNA1-related conditions. ClinVar contains an entry for this variant (Variation ID: 3270074). Invitae Evidence Modeling of protein sequence and biophysical properties (such as structural, functional, and spatial information, amino acid conservation, physicochemical variation, residue mobility, and thermodynamic stability) indicates that this missense variant is not expected to disrupt CTNNA1 protein function with a negative predictive value of 80%. In summary, the available evidence is currently insufficient to determine the role of this variant in disease. Therefore, it has been classified as a Variant of Uncertain Significance.

Ambry Genetics
Classification: Uncertain significance for Hereditary cancer-predisposing syndrome. Last evaluated: 2024-03-22. Review status: criteria provided, single submitter. Criteria: Ambry Variant Classification Scheme 2023. Collection method: clinical testing. Allele origin: germline.
Comment: The p.E532G variant (also known as c.1595A>G), located in coding exon 11 of the CTNNA1 gene, results from an A to G substitution at nucleotide position 1595. The glutamic acid at codon 532 is replaced by glycine, an amino acid with similar properties. This amino acid position is conserved. In addition, the in silico prediction for this alteration is inconclusive. Based on the available evidence, the clinical significance of this alteration remains unclear.

NM_001903.5(CTNNA1):c.1595A>G (p.Glu532Gly)

Gene: CTNNA1 (catenin alpha 1; plus strand). Cytogenetic location: 5q31.2.
Variant type: single nucleotide variant.
Coding change: c.1595A>G on transcript NM_001903.5 (MANE Select); coding-DNA position 1595, A replaced by G.
Protein change: p.Glu532Gly; replaces glutamic acid 532 with glycine.
Molecular consequence: missense variant.
Genome position (GRCh38, 1-based): chr5:138,924,558, A>G. VCF-style: chr5-138924558-A-G. GRCh37 (hg19) VCF-style: chr5-138260247-A-G.
Other names: c.1595A>G, p.Glu532Gly (NM_001290307.3, NM_001323982.2, NM_001323983.1 and 2 more transcripts); c.1286A>G, p.Glu429Gly (NM_001290309.3); c.1226A>G, p.Glu409Gly (NM_001290310.3); c.485A>G, p.Glu162Gly (NM_001290312.1, NM_001323997.1, NM_001323998.1 and 17 more transcripts); c.1502A>G, p.Glu501Gly (NM_001323986.2); c.146A>G, p.Glu49Gly (NM_001324006.1, NM_001324007.1, NM_001324008.1 and 2 more transcripts); c.392A>G, p.Glu131Gly (NM_001324011.1); c.242A>G, p.Glu81Gly (NM_001324012.1, NM_001324013.1); short protein forms E162G, E429G, E81G, E131G, E409G, E49G, E501G, E532G.
Identifiers: ClinVar variation 3270074 (VCV003270074.2).